The following is an entry in ClinVar:

NM_003482.4(KMT2D):c.2226C>G (p.His742Gln)

Gene: KMT2D (lysine methyltransferase 2D; minus strand). Cytogenetic location: 12q13.12.
Variant type: single nucleotide variant.
Coding change: c.2226C>G on transcript NM_003482.4 (MANE Select); coding-DNA position 2226, C replaced by G.
Protein change: p.His742Gln; replaces histidine 742 with glutamine.
Molecular consequence: missense variant.
Genome position (GRCh38, 1-based): chr12:49,051,457, G>C on the plus strand (C>G on the coding strand, the complement: KMT2D is on the minus strand). VCF-style: chr12-49051457-G-C. GRCh37 (hg19) VCF-style: chr12-49445240-G-C.
Other names: short protein forms H742Q.
Identifiers: ClinVar variation 3690906 (VCV003690906.2).

ClinVar aggregate classification (germline): Uncertain significance (1 of 4 stars; one submission).

Conditions:
Kabuki syndrome. Also called: NIIKAWA-KUROKI SYNDROME; Kabuki make-up syndrome. Identifiers: Orphanet 2322, MedGen C0796004, MONDO:0016512.

Submission:

Labcorp Genetics (formerly Invitae), Labcorp
Classification: Uncertain significance for Kabuki syndrome. Last evaluated: 2024-06-13. Review status: criteria provided, single submitter. Criteria: Invitae Variant Classification Sherloc (09022015). Collection method: clinical testing. Allele origin: germline.
Comment: This sequence change replaces histidine, which is basic and polar, with glutamine, which is neutral and polar, at codon 742 of the KMT2D protein (p.His742Gln). This variant is not present in population databases (gnomAD no frequency). This variant has not been reported in the literature in individuals affected with KMT2D-related conditions. Advanced modeling of protein sequence and biophysical properties (such as structural, functional, and spatial information, amino acid conservation, physicochemical variation, residue mobility, and thermodynamic stability) performed at Invitae indicates that this missense variant is not expected to disrupt KMT2D protein function with a negative predictive value of 95%. In summary, the available evidence is currently insufficient to determine the role of this variant in disease. Therefore, it has been classified as a Variant of Uncertain Significance.